The following is an entry in ClinVar:

ClinVar aggregate classification (germline): Uncertain significance (1 of 4 stars; one submission).

Submission:

GeneDx
Classification: Uncertain significance. Last evaluated: 2026-03-24. Review status: criteria provided, single submitter. Criteria: GeneDx Variant Classification Process June 2021. Collection method: clinical testing. Allele origin: germline.
Comment: Not observed at significant frequency in large population cohorts (gnomAD); In silico analysis supports that this missense variant has a deleterious effect on protein structure/function; Has not been previously published as pathogenic or benign to our knowledge

NM_001113378.2(FANCI):c.1377C>G (p.Phe459Leu)

Gene: FANCI (FA complementation group I; plus strand). Cytogenetic location: 15q26.1.
Variant type: single nucleotide variant.
Coding change: c.1377C>G on transcript NM_001113378.2 (MANE Select); coding-DNA position 1377, C replaced by G.
Protein change: p.Phe459Leu; replaces phenylalanine 459 with leucine.
Molecular consequence: missense variant.
Genome position (GRCh38, 1-based): chr15:89,278,770, C>G. VCF-style: chr15-89278770-C-G. GRCh37 (hg19) VCF-style: chr15-89822001-C-G.
Other names: c.1098C>G, p.Phe366Leu (NM_001376910.1); c.1377C>G, p.Phe459Leu (NM_001376911.1, NM_018193.3); short protein forms F366L, F459L.
Identifiers: ClinVar variation 5017429 (VCV005017429.1).